The following is an entry in ClinVar:

ClinVar aggregate classification (germline): Uncertain significance (1 of 4 stars; one submission).

Conditions:
Brody myopathy. Also called: BRODY DISEASE. Identifiers: Orphanet 53347, MedGen C1832918, MONDO:0010977, OMIM 601003.

Allele frequency attached by ClinVar (database versions not stated): gnomAD exomes 0.00001; ExAC 0.00002.

Submission:

Labcorp Genetics (formerly Invitae), Labcorp
Classification: Uncertain significance for Brody myopathy. Last evaluated: 2020-01-24. Review status: criteria provided, single submitter. Criteria: Invitae Variant Classification Sherloc (09022015). Collection method: clinical testing. Allele origin: germline.
Comment: In summary, the available evidence is currently insufficient to determine the role of this variant in disease. Therefore, it has been classified as a Variant of Uncertain Significance. Algorithms developed to predict the effect of missense changes on protein structure and function are either unavailable or do not agree on the potential impact of this missense change (SIFT: "Deleterious"; PolyPhen-2: "Benign"; Align-GVGD: "Class C0"). This variant has not been reported in the literature in individuals with ATP2A1-related conditions. This variant is present in population databases (rs764921561, ExAC 0.01%). This sequence change replaces glutamic acid with lysine at codon 482 of the ATP2A1 protein (p.Glu482Lys). The glutamic acid residue is moderately conserved and there is a small physicochemical difference between glutamic acid and lysine.

NM_004320.6(ATP2A1):c.1444G>A (p.Glu482Lys)

Gene: ATP2A1 (ATPase sarcoplasmic/endoplasmic reticulum Ca2+ transporting 1; plus strand). Cytogenetic location: 16p11.2.
Variant type: single nucleotide variant.
Coding change: c.1444G>A on transcript NM_004320.6 (MANE Select); coding-DNA position 1444, G replaced by A.
Protein change: p.Glu482Lys; replaces glutamic acid 482 with lysine.
Molecular consequence: missense variant.
Genome position (GRCh38, 1-based): chr16:28,898,024, G>A. VCF-style: chr16-28898024-G-A. GRCh37 (hg19) VCF-style: chr16-28909345-G-A.
Other names: c.1069G>A, p.Glu357Lys (NM_001286075.2); c.1444G>A, p.Glu482Lys (NM_173201.5); short protein forms E357K, E482K.
Identifiers: ClinVar variation 1021537 (VCV001021537.9), dbSNP rs764921561, ClinGen allele CA7986984.